The following is an entry in ClinVar:

NM_003331.5(TYK2):c.2792C>T (p.Ala931Val)

Gene: TYK2 (tyrosine kinase 2; minus strand). Cytogenetic location: 19p13.2.
Variant type: single nucleotide variant.
Coding change: c.2792C>T on transcript NM_003331.5 (MANE Select); coding-DNA position 2792, C replaced by T.
Protein change: p.Ala931Val; replaces alanine 931 with valine.
Molecular consequence: missense variant.
Genome position (GRCh38, 1-based): chr19:10,354,158, G>A on the plus strand (C>T on the coding strand, the complement: TYK2 is on the minus strand). VCF-style: chr19-10354158-G-A. GRCh37 (hg19) VCF-style: chr19-10464834-G-A.
Other names: c.2792C>T, p.Ala931Val (NM_001385197.1, NM_001385198.1); c.2606C>T, p.Ala869Val (NM_001385199.1); c.2789C>T, p.Ala930Val (NM_001385200.1); c.2594C>T, p.Ala865Val (NM_001385201.1); c.2708C>T, p.Ala903Val (NM_001385202.1); c.2873C>T, p.Ala958Val (NM_001385203.1); c.3002C>T, p.Ala1001Val (NM_001385204.1); c.2702C>T, p.Ala901Val (NM_001385205.1); and 2 more; short protein forms A869V, A925V, A1001V, A901V, A931V, A958V, A865V, A889V.
Identifiers: ClinVar variation 1522848 (VCV001522848.6), dbSNP rs56255228, ClinGen allele CA9192921.

ClinVar aggregate classification (germline): Uncertain significance (1 of 4 stars; one submission).

Conditions:
Immunodeficiency 35 (IMD35). Also called: HIES WITH ATYPICAL MYCOBACTERIOSIS, AUTOSOMAL RECESSIVE; HYPER-IgE SYNDROME WITH ATYPICAL MYCOBACTERIOSIS, AUTOSOMAL RECESSIVE; Susceptibility to infection due to TYK2 deficiency; TYK2 DEFICIENCY. Identifiers: Orphanet 331226, MedGen C1969086, MONDO:0012682, OMIM 611521.

gnomAD v4.1: 13 of 1,613,948 alleles (0.00081%); highest among the groups gnomAD compares: Middle Eastern, 0.017%; no homozygotes.

Submission:

Labcorp Genetics (formerly Invitae), Labcorp
Classification: Uncertain significance for Immunodeficiency 35. Last evaluated: 2021-04-04. Review status: criteria provided, single submitter. Criteria: Invitae Variant Classification Sherloc (09022015). Collection method: clinical testing. Allele origin: germline.
Comment: In summary, the available evidence is currently insufficient to determine the role of this variant in disease. Therefore, it has been classified as a Variant of Uncertain Significance. Algorithms developed to predict the effect of missense changes on protein structure and function are either unavailable or do not agree on the potential impact of this missense change (SIFT: "Not Available"; PolyPhen-2: "Benign"; Align-GVGD: "Not Available"). This variant has not been reported in the literature in individuals with TYK2-related conditions. This variant is present in population databases (rs56255228, ExAC 0.002%). This sequence change replaces alanine with valine at codon 931 of the TYK2 protein (p.Ala931Val). The alanine residue is highly conserved and there is a small physicochemical difference between alanine and valine.